The following is an entry in ClinVar:

NM_001999.4(FBN2):c.3724G>A (p.Asp1242Asn)

Gene: FBN2 (fibrillin 2; minus strand). Cytogenetic location: 5q23.3.
Variant type: single nucleotide variant.
Coding change: c.3724G>A on transcript NM_001999.4 (MANE Select); coding-DNA position 3724, G replaced by A.
Protein change: p.Asp1242Asn; replaces aspartic acid 1242 with asparagine.
Molecular consequence: missense variant.
Genome position (GRCh38, 1-based): chr5:128,335,988, C>T on the plus strand (G>A on the coding strand, the complement: FBN2 is on the minus strand). VCF-style: chr5-128335988-C-T. GRCh37 (hg19) VCF-style: chr5-127671680-C-T.
Other names: short protein forms D1242N.
Identifiers: ClinVar variation 2724234 (VCV002724234.3), dbSNP rs2479803238, ClinGen allele CA360758183.
Genomic context (GRCh38, chr5:128,335,988, plus strand): 5'-AAAGTTTTCCTAGGCTGATTTGAGACATATGAGTTTCAGGCCTGCTTGGTCTCCCCTTAC[C>T]TGTACAGCCCTGGCGGTCTGGCGTAGCCTGATATCCAGGATTGCAAGAGCACTGATAGGT-3'
Protein context (NP_001990.2, residues 1232-1252): QATPDRQGCT[Asp1242Asn]IDECMIMNGG

ClinVar aggregate classification (germline): Uncertain significance (1 of 4 stars; one submission).

Conditions:
Congenital contractural arachnodactyly (CCA). Also called: BEALS SYNDROME; Arthrogryposis, distal, type 9; Beals-Hecht syndrome. Identifiers: Orphanet 115, MedGen C0220668, MONDO:0007363, OMIM 121050.

Submission:

Labcorp Genetics (formerly Invitae), Labcorp
Classification: Uncertain significance for Congenital contractural arachnodactyly. Last evaluated: 2023-10-06. Review status: criteria provided, single submitter. Criteria: Invitae Variant Classification Sherloc (09022015). Collection method: clinical testing. Allele origin: germline.
Comment: This sequence change replaces aspartic acid, which is acidic and polar, with asparagine, which is neutral and polar, at codon 1242 of the FBN2 protein (p.Asp1242Asn). This variant also falls at the last nucleotide of exon 28, which is part of the consensus splice site for this exon. This variant is not present in population databases (gnomAD no frequency). This variant has not been reported in the literature in individuals affected with FBN2-related conditions. An algorithm developed to predict the effect of missense changes on protein structure and function (PolyPhen-2) suggests that this variant is likely to be tolerated. Variants that disrupt the consensus splice site are a relatively common cause of aberrant splicing (PMID: 17576681, 9536098). In summary, the available evidence is currently insufficient to determine the role of this variant in disease. Therefore, it has been classified as a Variant of Uncertain Significance.

Literature cited by the submitters: PubMed 17576681; PubMed 9536098.